The following is an entry in ClinVar:

NM_000535.7(PMS2):c.2276-4T>C

Gene: PMS2 (PMS1 homolog 2, mismatch repair system component; minus strand). Cytogenetic location: 7p22.1.
Variant type: single nucleotide variant.
Coding change: c.2276-4T>C on transcript NM_000535.7 (MANE Select); 4 bases into the intron before coding-DNA position 2276, T replaced by C.
Molecular consequence: intron variant. On other transcripts: synonymous variant (2).
Genome position (GRCh38, 1-based): chr7:5,977,761, A>G on the plus strand (T>C on the coding strand, the complement: PMS2 is on the minus strand). VCF-style: chr7-5977761-A-G. GRCh37 (hg19) VCF-style: chr7-6017392-A-G.
Other names: c.1900T>C, p.Leu634= (NM_001322009.2); c.2305T>C, p.Leu769= (NM_001322014.2); c.1958-4T>C (NM_001322008.2, NM_001322007.2); c.1715-4T>C (NM_001322010.2); c.1871-4T>C (NM_001322004.2, NM_001322003.2, NM_001322005.2); c.1703-4T>C (NM_001322013.2); c.1343-4T>C (NM_001322012.2, NM_001322011.2); c.1967-4T>C (NM_001322015.2); and 1 more.
Identifiers: ClinVar variation 633372 (VCV000633372.1), dbSNP rs1562602173, ClinGen allele CA913189364.

ClinVar aggregate classification (germline): Uncertain significance (1 of 4 stars; one submission).

Submission:

Women's Health and Genetics/Laboratory Corporation of America, LabCorp
Classification: Uncertain significance. Last evaluated: 2018-08-31. Review status: criteria provided, single submitter. Criteria: LabCorp Variant Classification Summary - May 2015. Collection method: clinical testing. Allele origin: germline.
Comment: Variant summary: PMS2 c.2276-4T>C alters a non-conserved nucleotide located close to a canonical splice site and therefore could affect mRNA splicing, leading to a significantly altered protein sequence. 4/4 computational tools predict no significant impact on normal splicing. However, these predictions have yet to be confirmed by functional studies. The variant was absent in 115980 control chromosomes (ExAC). The available data on variant occurrences in the general population are insufficient to allow any conclusion about variant significance. To our knowledge, no occurrence of c.2276-4T>C in individuals affected with Lynch Syndrome and no experimental evidence demonstrating its impact on protein function have been reported. No clinical diagnostic laboratories have submitted clinical-significance assessments for this variant to ClinVar after 2014. Based on the evidence outlined above, the variant was classified as uncertain significance.